The following is an entry in ClinVar:

NM_022552.5(DNMT3A):c.1429+9C>G

Gene: DNMT3A (DNA methyltransferase 3 alpha; minus strand). Cytogenetic location: 2p23.3.
Variant type: single nucleotide variant.
Coding change: c.1429+9C>G on transcript NM_022552.5 (MANE Select); 9 bases into the intron after coding-DNA position 1429, C replaced by G.
Molecular consequence: intron variant.
Genome position (GRCh38, 1-based): chr2:25,246,151, G>C on the plus strand (C>G on the coding strand, the complement: DNMT3A is on the minus strand). VCF-style: chr2-25246151-G-C. GRCh37 (hg19) VCF-style: chr2-25469020-G-C.
Other names: c.1429+9C>G (NM_175629.2); c.862+9C>G (NM_153759.3); c.973+9C>G (NM_001320893.1); c.760+9C>G (NM_001375819.1).
Identifiers: ClinVar variation 3355923 (VCV003355923.1).

ClinVar aggregate classification (germline): Likely benign (0 of 4 stars; one submission).

Conditions:
DNMT3A-related disorder. Also called: DNMT3A-related disorders; DNMT3A-related condition.

Submission:

PreventionGenetics, part of Exact Sciences
Classification: Likely benign for DNMT3A-related condition. Last evaluated: 2022-12-21. Review status: no assertion criteria provided. Collection method: clinical testing. Allele origin: germline.
Comment: This variant is classified as likely benign based on ACMG/AMP sequence variant interpretation guidelines (Richards et al. 2015 PMID: 25741868, with internal and published modifications).